The following is an entry in ClinVar:

NM_001100.4(ACTA1):c.854T>G (p.Met285Arg)

Gene: ACTA1 (actin alpha 1, skeletal muscle; minus strand). Cytogenetic location: 1q42.13.
Variant type: single nucleotide variant.
Coding change: c.854T>G on transcript NM_001100.4 (MANE Select); coding-DNA position 854, T replaced by G.
Protein change: p.Met285Arg; replaces methionine 285 with arginine.
Molecular consequence: missense variant.
Genome position (GRCh38, 1-based): chr1:229,431,857, A>C on the plus strand (T>G on the coding strand, the complement: ACTA1 is on the minus strand). VCF-style: chr1-229431857-A-C. GRCh37 (hg19) VCF-style: chr1-229567604-A-C.
Other names: short protein forms M285R.
Identifiers: ClinVar variation 2582807 (VCV002582807.2), dbSNP rs2527436311, ClinGen allele CA345146033.

ClinVar aggregate classification (germline): Pathogenic/Likely pathogenic. Review status: criteria provided, multiple submitters, no conflicts (2 of 4 stars). 2 submissions from 2 submitters: Pathogenic (1); Likely pathogenic (1). Last evaluated 2024-03-18.

Conditions:
Actin accumulation myopathy (CMYO2A). Also called: Nemaline myopathy type 3; Myopathy, actin, congenital, with excess of thin myofilaments; CONGENITAL MYOPATHY 2A, TYPICAL, AUTOSOMAL DOMINANT; Myopathy, actin, congenital, with cores; Nemaline myopathy 3, with intranuclear rods. Identifiers: Orphanet 98904, MedGen C3711389, MONDO:0008070, OMIM 161800.
Congenital myopathy 2c, severe infantile, autosomal dominant (CMYO2C). Identifiers: MedGen C5830333, MONDO:0859523, OMIM 620278.

Submissions (2):

3billion
Classification: Likely pathogenic for Actin accumulation myopathy; Congenital myopathy 2c, severe infantile, autosomal dominant. Last evaluated: 2024-03-18. Review status: criteria provided, single submitter. Criteria: ACMG Guidelines, 2015. Collection method: clinical testing. Allele origin: germline. Affected: yes.
Comment: The variant is not observed in the gnomAD v2.1.1 dataset. Predicted Consequence/Location: Missense changes are a common disease-causing mechanism. In silico tool predictions suggest damaging effect of the variant on gene or gene product [REVEL: 0.94 (>=0.6, sensitivity 0.68 and specificity 0.92); 3Cnet: 0.97 (>=0.6, sensitivity 0.72 and precision 0.9)]. Same nucleotide change resulting in same amino acid change has been previously reported to be associated with ACTA1 related disorder (ClinVar ID: VCV002582807 /PMID: 19562689).A different missense change at the same codon (p.Met285Lys) has been reported to be associated with ACTA1 related disorder (PMID: 12921789). Therefore, this variant is classified as Likely pathogenic according to the recommendation of ACMG/AMP guideline.

Harry Perkins Institute Of Medical Research, University Of Western Australia
Classification: Pathogenic for Nemaline myopathy type 3. Last evaluated: 2009-06-09. Review status: criteria provided, single submitter. Criteria: ACMG Guidelines, 2015. Collection method: literature only. Allele origin: germline. Affected: yes. Observed: 2 variant alleles.

Literature cited by the submitters: PubMed 12921789 (cited by 3billion); PubMed 19562689 (cited by 3billion and Harry Perkins Institute Of Medical Research, University Of Western Australia); PubMed 36233295 (cited by Harry Perkins Institute Of Medical Research, University Of Western Australia).